The following is an entry in ClinVar:

ClinVar aggregate classification (germline): Uncertain significance (1 of 4 stars; one submission).

Conditions:
Cardiovascular phenotype. Identifiers: MedGen CN230736.
Hereditary cancer-predisposing syndrome. Also called: Neoplastic Syndromes, Hereditary; Tumor predisposition; Hereditary neoplastic syndrome; Hereditary Cancer Syndrome. Identifiers: Orphanet 140162, MedGen C0027672, MeSH D009386, MONDO:0015356.

Submission:

Ambry Genetics
Classification: Uncertain significance for Cardiovascular phenotype; Hereditary cancer-predisposing syndrome. Last evaluated: 2026-08-23. Review status: criteria provided, single submitter. Criteria: Ambry Variant Classification Scheme 2023. Collection method: clinical testing. Allele origin: germline.
Comment: The p.D779G variant (also known as c.2336A>G), located in coding exon 20 of the NF1 gene, results from an A to G substitution at nucleotide position 2336. The aspartic acid at codon 779 is replaced by glycine, an amino acid with similar properties. This amino acid position is conserved. In addition, the in silico prediction for this alteration is inconclusive. Based on the available evidence, the clinical significance of this variant remains unclear.

NM_001042492.3(NF1):c.2336A>G (p.Asp779Gly)

Gene: NF1 (neurofibromin 1; plus strand). Cytogenetic location: 17q11.2.
Variant type: single nucleotide variant.
Coding change: c.2336A>G on transcript NM_001042492.3 (MANE Select); coding-DNA position 2336, A replaced by G.
Protein change: p.Asp779Gly; replaces aspartic acid 779 with glycine.
Molecular consequence: missense variant.
Genome position (GRCh38, 1-based): chr17:31,227,533, A>G. VCF-style: chr17-31227533-A-G. GRCh37 (hg19) VCF-style: chr17-29554551-A-G.
Other names: c.2336A>G, p.Asp779Gly (NM_000267.4); short protein forms D779G.
Identifiers: ClinVar variation 5025632 (VCV005025632.1).